The following is an entry in ClinVar:

NM_000228.3(LAMB3):c.454G>A (p.Asp152Asn)

Gene: LAMB3 (laminin subunit beta 3; minus strand). Cytogenetic location: 1q32.2.
Variant type: single nucleotide variant.
Coding change: c.454G>A on transcript NM_000228.3 (MANE Select); coding-DNA position 454, G replaced by A.
Protein change: p.Asp152Asn; replaces aspartic acid 152 with asparagine.
Molecular consequence: missense variant.
Genome position (GRCh38, 1-based): chr1:209,634,557, C>T on the plus strand (G>A on the coding strand, the complement: LAMB3 is on the minus strand). VCF-style: chr1-209634557-C-T. GRCh37 (hg19) VCF-style: chr1-209807902-C-T.
Other names: c.454G>A, p.Asp152Asn (NM_001017402.2, NM_001127641.1); short protein forms D152N.
Identifiers: ClinVar variation 3572721 (VCV003572721.1).

ClinVar aggregate classification (germline): Uncertain significance (1 of 4 stars; one submission).

Submission:

GeneDx
Classification: Uncertain significance. Last evaluated: 2024-07-11. Review status: criteria provided, single submitter. Criteria: GeneDx Variant Classification Process June 2021. Collection method: clinical testing. Allele origin: germline. Affected: yes.
Comment: In silico analysis supports that this missense variant has a deleterious effect on protein structure/function; Has not been previously published as pathogenic or benign to our knowledge